The following is an entry in ClinVar:

ClinVar aggregate classification (germline): Likely benign. Review status: criteria provided, multiple submitters, no conflicts (2 of 4 stars). 2 submissions from 2 submitters: Likely benign (2). Last evaluated 2025-07-01.

Submissions (2):

CeGaT Center for Human Genetics Tuebingen
Classification: Likely benign. Last evaluated: 2025-07-01. Review status: criteria provided, single submitter. Criteria: CeGaT Center For Human Genetics Tuebingen Variant Classification Criteria Version 2. Collection method: clinical testing. Allele origin: germline. Affected: yes. Observed: 3 variant alleles.
Comment: ZNF292: BS1

Labcorp Genetics (formerly Invitae), Labcorp
Classification: Likely benign. Last evaluated: 2018-03-30. Review status: criteria provided, single submitter. Criteria: Invitae Variant Classification Sherloc (09022015). Collection method: clinical testing. Allele origin: germline.

NM_015021.3(ZNF292):c.7537_7539del (p.Asp2513del)

Gene: ZNF292 (zinc finger protein 292; plus strand). Cytogenetic location: 6q14.3.
Variant type: Deletion.
Coding change: c.7537_7539del on transcript NM_015021.3 (MANE Select); coding-DNA positions 7537 to 7539, 3 bases deleted (GAT; older notation c.7537_7539delGAT).
Protein change: p.Asp2513del; deletes aspartic acid 2513.
Molecular consequence: inframe deletion.
Genome position (GRCh38, 1-based): chr6:87,261,166-87,261,168, GAT deleted; deleting any 3 consecutive bases within chr6:87,261,164-87,261,168 gives the same sequence; the c. name uses the placement nearest the transcript's 3' end. VCF-style (leftmost placement, unchanged base first): chr6-87261163-AATG-A. GRCh37 (hg19) VCF-style: chr6-87970881-AATG-A.
Other names: c.7117_7119del, p.Asp2373del (NM_001351444.2); short protein forms D2373del, D2513del.
Identifiers: ClinVar variation 737611 (VCV000737611.27), dbSNP rs540701557, ClinGen allele CA3914813.